The following is an entry in ClinVar:

NM_000101.4(CYBA):c.398C>G (p.Pro133Arg)

Gene: CYBA (cytochrome b-245 alpha chain; minus strand). Cytogenetic location: 16q24.2.
Variant type: single nucleotide variant.
Coding change: c.398C>G on transcript NM_000101.4 (MANE Select); coding-DNA position 398, C replaced by G.
Protein change: p.Pro133Arg; replaces proline 133 with arginine.
Molecular consequence: missense variant.
Genome position (GRCh38, 1-based): chr16:88,643,543, G>C on the plus strand (C>G on the coding strand, the complement: CYBA is on the minus strand). VCF-style: chr16-88643543-G-C. GRCh37 (hg19) VCF-style: chr16-88709951-G-C.
Other names: short protein forms P133R.
Identifiers: ClinVar variation 1959637 (VCV001959637.2), dbSNP rs1251186618, ClinGen allele CA397057850.

ClinVar aggregate classification (germline): Uncertain significance (1 of 4 stars; one submission).

Conditions:
Granulomatous disease, chronic, autosomal recessive, cytochrome b-negative. Also called: CGD DUE TO DEFICIENCY OF THE ALPHA SUBUNIT OF CYTOCHROME b; CGD, AUTOSOMAL RECESSIVE CYTOCHROME b-NEGATIVE; CYBA DEFICIENCY; GRANULOMATOUS DISEASE, CHRONIC, AUTOSOMAL RECESSIVE, 4; Chronic granulomatous disease, autosomal, due to deficiency of CYBA. Identifiers: Orphanet 379, MedGen C1856255, MONDO:0009308, OMIM 233690.

Allele frequency attached by ClinVar (database versions not stated): gnomAD 0.00001; gnomAD exomes 0.00001; TOPMed 0.00002.
gnomAD v4.1: 5 of 1,534,680 alleles (0.00033%); highest among the groups gnomAD compares: Non-Finnish European, 0.00035%; no homozygotes.

Submission:

Labcorp Genetics (formerly Invitae), Labcorp
Classification: Uncertain significance for Granulomatous disease, chronic, autosomal recessive, cytochrome b-negative. Last evaluated: 2022-10-18. Review status: criteria provided, single submitter. Criteria: Invitae Variant Classification Sherloc (09022015). Collection method: clinical testing. Allele origin: germline.
Comment: This sequence change replaces proline, which is neutral and non-polar, with arginine, which is basic and polar, at codon 133 of the CYBA protein (p.Pro133Arg). This variant is not present in population databases (gnomAD no frequency). This variant has not been reported in the literature in individuals affected with CYBA-related conditions. Algorithms developed to predict the effect of missense changes on protein structure and function are either unavailable or do not agree on the potential impact of this missense change (SIFT: "Deleterious"; PolyPhen-2: "Probably Damaging"; Align-GVGD: "Class C0"). In summary, the available evidence is currently insufficient to determine the role of this variant in disease. Therefore, it has been classified as a Variant of Uncertain Significance.